The following is an entry in ClinVar:

NM_001114753.3(ENG):c.475G>C (p.Ala159Pro)

Gene: ENG (endoglin; minus strand). Cytogenetic location: 9q34.11.
Variant type: single nucleotide variant.
Coding change: c.475G>C on transcript NM_001114753.3 (MANE Select); coding-DNA position 475, G replaced by C.
Protein change: p.Ala159Pro; replaces alanine 159 with proline.
Molecular consequence: missense variant. On other transcripts: 5 prime UTR variant (1).
Genome position (GRCh38, 1-based): chr9:127,826,558, C>G on the plus strand (G>C on the coding strand, the complement: ENG is on the minus strand). VCF-style: chr9-127826558-C-G. GRCh37 (hg19) VCF-style: chr9-130588837-C-G.
Other names: c.-72G>C (NM_001278138.2); c.475G>C, p.Ala159Pro (NM_001406715.1, NM_000118.4); short protein forms A159P.
Identifiers: ClinVar variation 3662644 (VCV003662644.2).

ClinVar aggregate classification (germline): Uncertain significance (1 of 4 stars; one submission).

Conditions:
Hereditary hemorrhagic telangiectasia (HHT). Also called: ORW DISEASE; Osler Weber Rendu syndrome; OSLER-RENDU-WEBER DISEASE; Osler hemorrhagic telangiectasia syndrome. Identifiers: Orphanet 774, MedGen C0039445, MONDO:0019180. Disease mechanism: loss of function.

Submission:

Labcorp Genetics (formerly Invitae), Labcorp
Classification: Uncertain significance for Hereditary hemorrhagic telangiectasia. Last evaluated: 2024-08-16. Review status: criteria provided, single submitter. Criteria: Invitae Variant Classification Sherloc (09022015). Collection method: clinical testing. Allele origin: germline.
Comment: This sequence change replaces alanine, which is neutral and non-polar, with proline, which is neutral and non-polar, at codon 159 of the ENG protein (p.Ala159Pro). This variant is not present in population databases (gnomAD no frequency). This variant has not been reported in the literature in individuals affected with ENG-related conditions. Invitae Evidence Modeling of protein sequence and biophysical properties (such as structural, functional, and spatial information, amino acid conservation, physicochemical variation, residue mobility, and thermodynamic stability) indicates that this missense variant is not expected to disrupt ENG protein function with a negative predictive value of 80%. In summary, the available evidence is currently insufficient to determine the role of this variant in disease. Therefore, it has been classified as a Variant of Uncertain Significance.